The following is an entry in ClinVar:

NM_001079872.2(CUL4B):c.632A>G (p.Asn211Ser)

Gene: CUL4B (cullin 4B; minus strand). Cytogenetic location: Xq24.
Variant type: single nucleotide variant.
Coding change: c.632A>G on transcript NM_001079872.2 (MANE Select); coding-DNA position 632, A replaced by G.
Protein change: p.Asn211Ser; replaces asparagine 211 with serine.
Molecular consequence: missense variant.
Genome position (GRCh38, 1-based): chrX:120,557,964, T>C on the plus strand (A>G on the coding strand, the complement: CUL4B is on the minus strand). VCF-style: chrX-120557964-T-C. GRCh37 (hg19) VCF-style: chrX-119691819-T-C.
Other names: c.647A>G, p.Asn216Ser (NM_001330624.2); c.98A>G, p.Asn33Ser (NM_001369145.1); c.686A>G, p.Asn229Ser (NM_003588.4); short protein forms N229S, N211S, N216S, N33S.
Identifiers: ClinVar variation 373484 (VCV000373484.1), dbSNP rs1057518443, ClinGen allele CA16043170.

ClinVar aggregate classification (germline): Uncertain significance (1 of 4 stars; one submission).

Submission:

GeneDx
Classification: Uncertain significance. Last evaluated: 2016-12-02. Review status: criteria provided, single submitter. Criteria: GeneDx Variant Classification (06012015). Collection method: clinical testing. Allele origin: germline. Affected: yes.
Comment: The N229S variant in the CUL4B gene has not been reported previously as a pathogenic variant, nor as a benign variant, to our knowledge. The N229S variant was not observed in approximately 6500 individuals of European and African American ancestry in the NHLBI Exome Sequencing Project, indicating it is not a common benign variant in these populations. The N229S variant is a conservative amino acid substitution, which is not likely to impact secondary protein structure as these residues share similar properties. This substitution occurs at a position that is conserved across species. In silico analysis is inconsistent in its predictions as to whether or not the variant is damaging to the protein structure/function. Therefore, we interpret N229S as a variant of uncertain significance